The following is an entry in ClinVar:

ClinVar aggregate classification (germline): Uncertain significance (1 of 4 stars; one submission).

Conditions:
Hereditary cancer-predisposing syndrome. Also called: Neoplastic Syndromes, Hereditary; Tumor predisposition; Hereditary Cancer Syndrome; Hereditary neoplastic syndrome. Identifiers: Orphanet 140162, MedGen C0027672, MeSH D009386, MONDO:0015356.

Submission:

Ambry Genetics
Classification: Uncertain significance for Hereditary cancer-predisposing syndrome. Last evaluated: 2025-12-11. Review status: criteria provided, single submitter. Criteria: Ambry Variant Classification Scheme 2023. Collection method: clinical testing. Allele origin: germline.
Comment: The p.P236T variant (also known as c.706C>A), located in coding exon 3 of the PHOX2B gene, results from a C to A substitution at nucleotide position 706. The proline at codon 236 is replaced by threonine, an amino acid with highly similar properties. This amino acid position is conserved. In addition, this alteration is predicted to be tolerated by in silico analysis. Based on the available evidence, the clinical significance of this variant remains unclear.

NM_003924.4(PHOX2B):c.706C>A (p.Pro236Thr)

Gene: PHOX2B (paired like homeobox 2B; minus strand). Cytogenetic location: 4p13.
Variant type: single nucleotide variant.
Coding change: c.706C>A on transcript NM_003924.4 (MANE Select); coding-DNA position 706, C replaced by A.
Protein change: p.Pro236Thr; replaces proline 236 with threonine.
Molecular consequence: missense variant.
Genome position (GRCh38, 1-based): chr4:41,746,046, G>T on the plus strand (C>A on the coding strand, the complement: PHOX2B is on the minus strand). VCF-style: chr4-41746046-G-T. GRCh37 (hg19) VCF-style: chr4-41748063-G-T.
Other names: short protein forms P236T.
Identifiers: ClinVar variation 4666168 (VCV004666168.1).